The following is an entry in ClinVar:

NM_022114.4(PRDM16):c.2849G>A (p.Arg950Gln)

Gene: PRDM16 (PR/SET domain 16; plus strand). Cytogenetic location: 1p36.32.
Variant type: single nucleotide variant.
Coding change: c.2849G>A on transcript NM_022114.4 (MANE Select); coding-DNA position 2849, G replaced by A.
Protein change: p.Arg950Gln; replaces arginine 950 with glutamine.
Molecular consequence: missense variant.
Genome position (GRCh38, 1-based): chr1:3,417,985, G>A. VCF-style: chr1-3417985-G-A. GRCh37 (hg19) VCF-style: chr1-3334549-G-A.
Other names: c.2849G>A, p.Arg950Gln (NM_199454.3); short protein forms R950Q.
Identifiers: ClinVar variation 968208 (VCV000968208.10), dbSNP rs755741214, ClinGen allele CA544626.

ClinVar aggregate classification (germline): Uncertain significance. Review status: criteria provided, multiple submitters, no conflicts (2 of 4 stars). 2 submissions from 2 submitters: Uncertain significance (2). Last evaluated 2025-07-29.

Conditions:
Inborn genetic diseases. Identifiers: MedGen C0950123, MeSH D030342.
Left ventricular noncompaction 8 (LVNC8). Identifiers: Orphanet 154, Orphanet 54260, MedGen C3809288, MONDO:0014152, OMIM 615373.

Allele frequency attached by ClinVar (database versions not stated): TOPMed 0.00003.
gnomAD v4.1: 10 of 1,611,886 alleles (0.00062%); highest among the groups gnomAD compares: Non-Finnish European, 0.00085%; no homozygotes.

Submissions (2):

Labcorp Genetics (formerly Invitae), Labcorp
Classification: Uncertain significance for Left ventricular noncompaction 8. Last evaluated: 2025-07-29. Review status: criteria provided, single submitter. Criteria: Invitae Variant Classification Sherloc (09022015). Collection method: clinical testing. Allele origin: germline.
Comment: This sequence change replaces arginine, which is basic and polar, with glutamine, which is neutral and polar, at codon 950 of the PRDM16 protein (p.Arg950Gln). The frequency data for this variant in the population databases is considered unreliable, as metrics indicate poor data quality at this position in the gnomAD database. This variant has not been reported in the literature in individuals affected with PRDM16-related conditions. ClinVar contains an entry for this variant (Variation ID: 968208). An algorithm developed to predict the effect of missense changes on protein structure and function (PolyPhen-2) suggests that this variant is likely to be disruptive. In summary, the available evidence is currently insufficient to determine the role of this variant in disease. Therefore, it has been classified as a Variant of Uncertain Significance.

Ambry Genetics
Classification: Uncertain significance for Inborn genetic diseases. Last evaluated: 2025-02-25. Review status: criteria provided, single submitter. Criteria: Ambry Variant Classification Scheme 2023. Collection method: clinical testing. Allele origin: germline.